The following is an entry in ClinVar:

NM_000260.4(MYO7A):c.1004_1005insTGCCA (p.Arg336fs)

Gene: MYO7A (myosin VIIA; plus strand). Cytogenetic location: 11q13.5.
Variant type: Insertion.
Coding change: c.1004_1005insTGCCA on transcript NM_000260.4 (MANE Select); coding-DNA positions 1004 to 1005, TGCCA inserted.
Protein change: p.Arg336fs; shifts the reading frame from arginine 336.
Molecular consequence: frameshift variant.
Genome position: GRCh38 VCF-style: chr11-77159447-C-CTGCCA. GRCh37 (hg19) VCF-style: chr11-76870493-C-CTGCCA.
Other names: c.1004_1005insTGCCA, p.Arg336fs (NM_001127180.2); c.971_972insTGCCA, p.Arg325fs (NM_001369365.1); short protein forms R325fs, R336fs.
Identifiers: ClinVar variation 4818008 (VCV004818008.1).

ClinVar aggregate classification (germline): Likely pathogenic (1 of 4 stars; one submission).

Conditions:
Usher syndrome type 1B (USH1B). Also called: Usher syndrome type IB. Identifiers: MedGen C1848638, MONDO:0700087.

Submission:

Natera, Inc.
Classification: Likely pathogenic for Usher syndrome type 1B. Last evaluated: 2024-08-19. Review status: criteria provided, single submitter. Criteria: Natera Variant Classification Schema (03/2026). Collection method: clinical testing. Allele origin: germline.
Comment: The c.1004_1005insTGCCA variant in MYO7A is a frameshift variant predicted to shift the reading frame beginning at codon 336 and leads to a stop codon 28 codons downstream. This variant is expected to result in nonsense mediated decay, truncation, or a dysfunctional protein product. This variant is rare in the general population with a frequency below the threshold expected for the associated phenotype(s). Given the available evidence, this variant is classified as Likely Pathogenic.